The following is an entry in ClinVar:

NM_004006.3(DMD):c.6615-2A>T

Gene: DMD (dystrophin; minus strand). Cytogenetic location: Xp21.1.
Variant type: single nucleotide variant.
Coding change: c.6615-2A>T on transcript NM_004006.3 (MANE Select); the canonical splice acceptor site of the intron before coding-DNA position 6615, A replaced by T.
Molecular consequence: splice acceptor variant.
Genome position (GRCh38, 1-based): chrX:31,932,229, T>A on the plus strand (A>T on the coding strand, the complement: DMD is on the minus strand). VCF-style: chrX-31932229-T-A. GRCh37 (hg19) VCF-style: chrX-31950346-T-A.
Other names: c.6591-2A>T (NM_000109.4); c.2592-2A>T (NM_004011.4); c.2583-2A>T (NM_004012.4); c.-766-2A>T (NM_004023.3, NM_004020.4, NM_004022.3 and 2 more transcripts); c.6603-2A>T (NM_004009.3); c.6246-2A>T (NM_004010.3).
Identifiers: ClinVar variation 455923 (VCV000455923.9), dbSNP rs1557011973, ClinGen allele CA412658438.
Genomic context (GRCh38, chrX:31,932,229, plus strand): 5'-AAACAAATTCATTTAAATCTCTTTGAAATTCTGACAAGATATTCTTTTGTTCTTCTAGCC[T>A]GGAGAAAGAAGAATAAAATTGTTATTTTTTTTTCCAACATAGTTCTCAAACTATTTGTTA-3'

ClinVar aggregate classification (germline): Pathogenic (1 of 4 stars; one submission).

Conditions:
Duchenne muscular dystrophy (DMD). Also called: MUSCULAR DYSTROPHY, PSEUDOHYPERTROPHIC PROGRESSIVE, DUCHENNE TYPE; Duchenne Muscular Dystrophy (DMD). Identifiers: Orphanet 98896, MedGen C0013264, MONDO:0010679, OMIM 310200.

Submission:

Labcorp Genetics (formerly Invitae), Labcorp
Classification: Pathogenic for Duchenne muscular dystrophy. Last evaluated: 2017-06-27. Review status: criteria provided, single submitter. Criteria: Invitae Variant Classification Sherloc (09022015). Collection method: clinical testing. Allele origin: germline.
Comment: This variant has been reported in individuals affected with DMD-related disease (PMID: 20485447, Invitae database). For these reasons, this variant has been classified as Pathogenic. Donor and acceptor splice site variants typically lead to a loss of protein function (PMID: 16199547), and loss-of-function variants in DMD are known to be pathogenic (PMID: 16770791). Algorithms developed to predict the effect of sequence changes on RNA splicing suggest that this variant may disrupt the consensus splice site, but this prediction has not been confirmed by published transcriptional studies. This variant is not present in population databases (ExAC no frequency). This sequence change affects an acceptor splice site in intron 45 of the DMD gene. It is expected to disrupt RNA splicing and likely results in an absent or disrupted protein product.

Literature cited by the submitters: PubMed 20485447; PubMed 16199547; PubMed 16770791.